The following is an entry in ClinVar:

NM_138383.3(MTSS2):c.1085C>G (p.Ser362Trp)

Gene: MTSS2 (MTSS I-BAR domain containing 2; minus strand). Cytogenetic location: 16q22.1.
Variant type: single nucleotide variant.
Coding change: c.1085C>G on transcript NM_138383.3 (MANE Select); coding-DNA position 1085, C replaced by G.
Protein change: p.Ser362Trp; replaces serine 362 with tryptophan.
Molecular consequence: missense variant.
Genome position (GRCh38, 1-based): chr16:70,665,509, G>C on the plus strand (C>G on the coding strand, the complement: MTSS2 is on the minus strand). VCF-style: chr16-70665509-G-C. GRCh37 (hg19) VCF-style: chr16-70699412-G-C.
Other names: short protein forms S362W.
Identifiers: ClinVar variation 3730962 (VCV003730962.1).

ClinVar aggregate classification (germline): Uncertain significance (1 of 4 stars; one submission).

Submission:

GeneDx
Classification: Uncertain significance. Last evaluated: 2024-08-12. Review status: criteria provided, single submitter. Criteria: GeneDx Variant Classification Process June 2021. Collection method: clinical testing. Allele origin: germline. Affected: yes.
Comment: Not observed at significant frequency in large population cohorts (gnomAD); In silico analysis supports that this missense variant has a deleterious effect on protein structure/function; Has not been previously published as pathogenic or benign to our knowledge